The following is an entry in ClinVar:

ClinVar aggregate classification (germline): Uncertain significance (1 of 4 stars; one submission).

Conditions:
Charcot-Marie-Tooth disease axonal type 2C (HMSN2C). Also called: CHARCOT-MARIE-TOOTH DISEASE, AXONAL, AUTOSOMAL DOMINANT, TYPE 2C; Charcot-Marie-Tooth Neuropathy Type 2C; Charcot-Marie-Tooth Disease Type 2, TRPV4-Related (CMT2C). Identifiers: Orphanet 99937, MedGen C1853710, MONDO:0011633, OMIM 606071.

Submission:

Labcorp Genetics (formerly Invitae), Labcorp
Classification: Uncertain significance for Charcot-Marie-Tooth disease axonal type 2C. Last evaluated: 2024-11-21. Review status: criteria provided, single submitter. Criteria: Invitae Variant Classification Sherloc (09022015). Collection method: clinical testing. Allele origin: germline.
Comment: This sequence change replaces leucine, which is neutral and non-polar, with valine, which is neutral and non-polar, at codon 47 of the TRPV4 protein (p.Leu47Val). This variant is not present in population databases (gnomAD no frequency). This variant has not been reported in the literature in individuals affected with TRPV4-related conditions. Invitae Evidence Modeling of protein sequence and biophysical properties (such as structural, functional, and spatial information, amino acid conservation, physicochemical variation, residue mobility, and thermodynamic stability) indicates that this missense variant is not expected to disrupt TRPV4 protein function with a negative predictive value of 95%. In summary, the available evidence is currently insufficient to determine the role of this variant in disease. Therefore, it has been classified as a Variant of Uncertain Significance.

NM_021625.5(TRPV4):c.139C>G (p.Leu47Val)

Gene: TRPV4 (transient receptor potential cation channel subfamily V member 4; minus strand). Cytogenetic location: 12q24.11.
Variant type: single nucleotide variant.
Coding change: c.139C>G on transcript NM_021625.5 (MANE Select); coding-DNA position 139, C replaced by G.
Protein change: p.Leu47Val; replaces leucine 47 with valine.
Molecular consequence: missense variant. On other transcripts: intron variant (1).
Genome position (GRCh38, 1-based): chr12:109,814,658, G>C on the plus strand (C>G on the coding strand, the complement: TRPV4 is on the minus strand). VCF-style: chr12-109814658-G-C. GRCh37 (hg19) VCF-style: chr12-110252463-G-C.
Other names: c.139C>G, p.Leu47Val (NM_001177428.2, NM_001177433.2, NM_147204.3); c.80-43C>G (NM_001177431.1); short protein forms L47V.
Identifiers: ClinVar variation 3620196 (VCV003620196.2).